The following is an entry in ClinVar:

ClinVar aggregate classification (germline): Uncertain significance (1 of 4 stars; one submission).

Conditions:
Developmental and epileptic encephalopathy, 37 (DEE37). Also called: Epileptic encephalopathy, early infantile, 37. Identifiers: MedGen C4310770, MONDO:0014859, OMIM 616981.

Allele frequency attached by ClinVar (database versions not stated): gnomAD exomes below 0.00001 and 0.00001; ExAC 0.00001; gnomAD 0.00001; TOPMed 0.00001.
gnomAD v4.1: 4 of 1,613,292 alleles (0.00025%); highest among the groups gnomAD compares: Admixed American, 0.0067%; no homozygotes.

Submission:

Labcorp Genetics (formerly Invitae), Labcorp
Classification: Uncertain significance for Developmental and epileptic encephalopathy, 37. Last evaluated: 2021-08-31. Review status: criteria provided, single submitter. Criteria: Invitae Variant Classification Sherloc (09022015). Collection method: clinical testing. Allele origin: germline.
Comment: This sequence change replaces serine with leucine at codon 324 of the FRRS1L protein (p.Ser324Leu). The serine residue is highly conserved and there is a large physicochemical difference between serine and leucine. This variant is present in population databases (rs747814314, ExAC 0.009%). This variant has not been reported in the literature in individuals affected with FRRS1L-related conditions. Algorithms developed to predict the effect of missense changes on protein structure and function are either unavailable or do not agree on the potential impact of this missense change (SIFT: "Deleterious"; PolyPhen-2: "Benign"; Align-GVGD: "Class C15"). In summary, the available evidence is currently insufficient to determine the role of this variant in disease. Therefore, it has been classified as a Variant of Uncertain Significance.

NM_014334.4(FRRS1L):c.818C>T (p.Ser273Leu)

Gene: FRRS1L (ferric chelate reductase 1 like; minus strand). Cytogenetic location: 9q31.3.
Variant type: single nucleotide variant.
Coding change: c.818C>T on transcript NM_014334.4 (MANE Select); coding-DNA position 818, C replaced by T.
Protein change: p.Ser273Leu; replaces serine 273 with leucine.
Molecular consequence: missense variant.
Genome position (GRCh38, 1-based): chr9:109,137,519, G>A on the plus strand (C>T on the coding strand, the complement: FRRS1L is on the minus strand). VCF-style: chr9-109137519-G-A. GRCh37 (hg19) VCF-style: chr9-111899799-G-A.
Other names: short protein forms S273L.
Identifiers: ClinVar variation 1412011 (VCV001412011.5), dbSNP rs747814314, ClinGen allele CA5177307.